The following is an entry in ClinVar:

ClinVar aggregate classification (germline): Uncertain significance. Review status: criteria provided, multiple submitters, no conflicts (2 of 4 stars). 2 submissions from 2 submitters: Uncertain significance (2). Last evaluated 2023-07-16.

Conditions:
Type 2 collagenopathy. Identifiers: Orphanet 93421, MedGen C2931073, MONDO:0022800.

Submissions (2):

Victorian Clinical Genetics Services, Murdoch Childrens Research Institute
Classification: Uncertain significance for Type 2 collagenopathy. Last evaluated: 2023-07-16. Review status: criteria provided, single submitter. Criteria: ACMG Guidelines, 2015. Collection method: clinical testing. Allele origin: germline. Inheritance: Autosomal dominant inheritance. Affected: yes.
Comment: Based on the classification scheme VCGS_Germline_v1.3.4, this variant is classified as VUS-3A. Following criteria are met: 0103 - Dominant negative and loss of function are known mechanisms of disease in this gene and are associated with COL2A1-related disorders. Loss of function variants have been reported to cause Stickler syndrome, whereas missense variants with a dominant negative effect on protein function result in spondyloepiphyseal or spondyloepimetaphyseal dysplasia (OMIM, PMIDs: 35052477, 15895462). (I) 0107 - This gene is associated with autosomal dominant disease. (I) 0115 - Variants in this gene are known to have variable expressivity (PMID: 20301479). (I) 0213 - In-frame insertion in a non-repetitive region that has high conservation. (SP) 0251 - This variant is heterozygous. (I) 0301 - Variant is absent from gnomAD (both v2 and v3). (SP) 0601 - Variant is located in the well-established functional triple helical region and disrupts the Gly-X-Y motif (DECIPHER). (SP) 0705 - No comparable in frame insertion variants have previous evidence for pathogenicity. (I) 0809 - Previous evidence of pathogenicity for this variant is inconclusive. This variant has been classified as a VUS by a clinical laboratory in ClinVar. (I) 0905 - No published segregation evidence has been identified for this variant. (I) 1007 - No published functional evidence has been identified for this variant. (I) 1208 - Inheritance information for this variant is not currently available in this individual. (I) Legend: (SP) - Supporting pathogenic, (I) - Information, (SB) - Supporting benign

Labcorp Genetics (formerly Invitae), Labcorp
Classification: Uncertain significance. Last evaluated: 2021-08-31. Review status: criteria provided, single submitter. Criteria: Invitae Variant Classification Sherloc (09022015). Collection method: clinical testing. Allele origin: germline.
Comment: This variant is not present in population databases (ExAC no frequency). In summary, the available evidence is currently insufficient to determine the role of this variant in disease. Therefore, it has been classified as a Variant of Uncertain Significance. Experimental studies and prediction algorithms are not available or were not evaluated, and the functional significance of this variant is currently unknown. This variant has not been reported in the literature in individuals affected with COL2A1-related conditions. This variant, c.1703_1705dup, results in the insertion of 1 amino acid(s) to the COL2A1 protein (p.Asp568dup), but otherwise preserves the integrity of the reading frame.

Literature cited by the submitters: PubMed 15895462 (cited by Victorian Clinical Genetics Services, Murdoch Childrens Research Institute); PubMed 20301479 (cited by Victorian Clinical Genetics Services, Murdoch Childrens Research Institute); PubMed 35052477 (cited by Victorian Clinical Genetics Services, Murdoch Childrens Research Institute).

NM_001844.5(COL2A1):c.1703_1705dup (p.Asp568dup)

Gene: COL2A1 (collagen type II alpha 1 chain; minus strand). Cytogenetic location: 12q13.11.
Variant type: Duplication.
Coding change: c.1703_1705dup on transcript NM_001844.5 (MANE Select); coding-DNA positions 1703 to 1705, 3 bases duplicated (ATG; older notation c.1703_1705dupATG).
Protein change: p.Asp568dup; duplicates aspartic acid 568.
Molecular consequence: inframe insertion.
Genome position (GRCh38, 1-based): chr12:47,985,563-47,985,565, CAT duplicated on the plus strand (ATG on the coding strand, the reverse complement: COL2A1 is on the minus strand); duplicating any 3 consecutive bases within chr12:47,985,563-47,985,567 gives the same sequence; the c. name uses the placement nearest the transcript's 3' end. VCF-style (leftmost placement, unchanged base first): chr12-47985562-G-GCAT. GRCh37 (hg19) VCF-style: chr12-48379345-G-GCAT.
Other names: c.1496_1498dup, p.Asp499dup (NM_033150.3); c.1703_1705dupATG (NM_001844.4).
Identifiers: ClinVar variation 1470295 (VCV001470295.7), dbSNP rs2136566553, ClinGen allele CA2573148615.
Genomic context (GRCh38, chr12:47,985,562, plus strand): 5'-CCCTCCTAGCAGCCCTCAGAGGATAGACTTACAGAAGGGCCAACTTTGCCTTGAGGACCA[G>GCAT]CATCACCAGGGCGGCCAGTGAGACCCTTTGTTCAGGAGAGAGAAGAGGGTGGGGTCAGGA-3'